The following is an entry in ClinVar:

ClinVar aggregate classification (germline): Uncertain significance. Review status: criteria provided, multiple submitters, no conflicts (2 of 4 stars). 2 submissions from 2 submitters: Uncertain significance (2). Last evaluated 2024-05-06.

Conditions:
Sucrase-isomaltase deficiency (CSID). Also called: SI DEFICIENCY; Deficiency of isomaltase; Congenital sucrose isomaltose malabsorption; Sucrose isomaltose enzyme deficiency. Identifiers: Orphanet 35122, MedGen C1283620, MONDO:0009114, OMIM 222900.

Allele frequency attached by ClinVar (database versions not stated): gnomAD exomes below 0.00001; gnomAD 0.00001.

Submissions (2):

Fulgent Genetics
Classification: Uncertain significance for Sucrase-isomaltase deficiency. Last evaluated: 2024-05-06. Review status: criteria provided, single submitter. Criteria: ACMG Guidelines, 2015. Collection method: clinical testing. Allele origin: germline.

Labcorp Genetics (formerly Invitae), Labcorp
Classification: Uncertain significance. Last evaluated: 2022-10-05. Review status: criteria provided, single submitter. Criteria: Invitae Variant Classification Sherloc (09022015). Collection method: clinical testing. Allele origin: germline.
Comment: In summary, the available evidence is currently insufficient to determine the role of this variant in disease. Therefore, it has been classified as a Variant of Uncertain Significance. Algorithms developed to predict the effect of missense changes on protein structure and function are either unavailable or do not agree on the potential impact of this missense change (SIFT: "Tolerated"; PolyPhen-2: "Possibly Damaging"; Align-GVGD: "Class C0"). ClinVar contains an entry for this variant (Variation ID: 1487236). This variant has not been reported in the literature in individuals affected with SI-related conditions. This variant is not present in population databases (gnomAD no frequency). This sequence change replaces methionine, which is neutral and non-polar, with valine, which is neutral and non-polar, at codon 1515 of the SI protein (p.Met1515Val).

NM_001041.4(SI):c.4543A>G (p.Met1515Val)

Gene: SI (sucrase-isomaltase; minus strand). Cytogenetic location: 3q26.1.
Variant type: single nucleotide variant.
Coding change: c.4543A>G on transcript NM_001041.4 (MANE Select); coding-DNA position 4543, A replaced by G.
Protein change: p.Met1515Val; replaces methionine 1515 with valine.
Molecular consequence: missense variant.
Genome position (GRCh38, 1-based): chr3:164,996,770, T>C on the plus strand (A>G on the coding strand, the complement: SI is on the minus strand). VCF-style: chr3-164996770-T-C. GRCh37 (hg19) VCF-style: chr3-164714558-T-C.
Other names: short protein forms M1515V.
Identifiers: ClinVar variation 1487236 (VCV001487236.7), dbSNP rs1301172097, ClinGen allele CA355030085.